The following is an entry in ClinVar:

NM_000208.4(INSR):c.*2010G>A

Gene: INSR (insulin receptor; minus strand). Cytogenetic location: 19p13.2.
Variant type: single nucleotide variant.
Coding change: c.*2010G>A on transcript NM_000208.4 (MANE Select); 2010 bases downstream of the stop codon, G replaced by A.
Molecular consequence: 3 prime UTR variant.
Genome position (GRCh38, 1-based): chr19:7,115,046, C>T on the plus strand (G>A on the coding strand, the complement: INSR is on the minus strand). VCF-style: chr19-7115046-C-T. GRCh37 (hg19) VCF-style: chr19-7115057-C-T.
Other names: c.*2010G>A (NM_001079817.3).
Identifiers: ClinVar variation 330397 (VCV000330397.6), dbSNP rs55972112, ClinGen allele CA10652847.

ClinVar aggregate classification (germline): Benign. Review status: criteria provided, multiple submitters, no conflicts (2 of 4 stars). 4 submissions from 2 submitters: Benign (4). Last evaluated 2018-01-12.

Conditions:
Rabson-Mendenhall syndrome. Also called: MENDENHALL SYNDROME; Pineal Hyperplasia, Insulin-Resistant Diabetes Mellitus, and Somatic Abnormalities; Pineal hyperplasia AND diabetes mellitus syndrome. Identifiers: Orphanet 769, MedGen C0271695, MONDO:0009874, OMIM 262190.
Insulin-resistant diabetes mellitus AND acanthosis nigricans. Also called: Insulin-resistance syndrome type A; INSULIN RECEPTOR, DEFECT IN, WITH INSULIN-RESISTANT DIABETES MELLITUS AND ACANTHOSIS NIGRICANS; IRAN, TYPE A; type A insulin resistance; DIABETES MELLITUS, INSULIN-RESISTANT, WITH ACANTHOSIS NIGRICANS, TYPE A. Identifiers: Orphanet 2297, MedGen C0342278, MONDO:0012520, OMIM 610549.
Leprechaunism syndrome. Also called: Donohue syndrome; LEPRECHAUNISM. Identifiers: Orphanet 508, MedGen C0265344, MONDO:0009517, OMIM 246200.

Allele frequency attached by ClinVar (database versions not stated): TOPMed 0.10155; gnomAD 0.10448 and 0.10878; 1000 Genomes Project 30x 0.12039; 1000 Genomes Project 0.12500.

Submissions (4):

Illumina Laboratory Services, Illumina
Classification: Benign for Insulin-resistant diabetes mellitus AND acanthosis nigricans. Last evaluated: 2018-01-12. Review status: criteria provided, single submitter. Criteria: ICSL Variant Classification Criteria 13 December 2019. Collection method: clinical testing. Allele origin: germline.
Comment: This variant was observed in the ICSL laboratory as part of a predisposition screen in an ostensibly healthy population. It had not been previously curated by ICSL or reported in the Human Gene Mutation Database (HGMD: prior to June 1st, 2018), and was therefore a candidate for classification through an automated scoring system. Utilizing variant allele frequency, disease prevalence and penetrance estimates, and inheritance mode, an automated score was calculated to assess if this variant is too frequent to cause the disease. Based on the score and internal cut-off values, a variant classified as benign is not then subjected to further curation. The score for this variant resulted in a classification of benign for this disease.

Illumina Laboratory Services, Illumina
Classification: Benign for Leprechaunism syndrome. Last evaluated: 2018-01-12. Review status: criteria provided, single submitter. Criteria: ICSL Variant Classification Criteria 13 December 2019. Collection method: clinical testing. Allele origin: germline.
Comment: the same text as in the submission from Illumina Laboratory Services, Illumina above.

Illumina Laboratory Services, Illumina
Classification: Benign for Rabson-Mendenhall syndrome. Last evaluated: 2018-01-12. Review status: criteria provided, single submitter. Criteria: ICSL Variant Classification Criteria 13 December 2019. Collection method: clinical testing. Allele origin: germline.
Comment: the same text as in the submission from Illumina Laboratory Services, Illumina above.

Breakthrough Genomics
Classification: Benign. Review status: criteria provided, single submitter. Criteria: ACMG Guidelines, 2015. Collection method: not provided. Allele origin: germline. Inheritance: Autosomal recessive inheritance. Affected: yes.